The following is an entry in ClinVar:

NM_001378183.1(PIEZO2):c.3025A>G (p.Ser1009Gly)

Gene: PIEZO2 (piezo type mechanosensitive ion channel component 2; minus strand). Cytogenetic location: 18p11.22.
Variant type: single nucleotide variant.
Coding change: c.3025A>G on transcript NM_001378183.1 (MANE Select); coding-DNA position 3025, A replaced by G.
Protein change: p.Ser1009Gly; replaces serine 1009 with glycine.
Molecular consequence: missense variant.
Genome position (GRCh38, 1-based): chr18:10,763,020, T>C on the plus strand (A>G on the coding strand, the complement: PIEZO2 is on the minus strand). VCF-style: chr18-10763020-T-C. GRCh37 (hg19) VCF-style: chr18-10763018-T-C.
Other names: c.3025A>G, p.Ser1009Gly (NM_001410871.1); c.2950A>G, p.Ser984Gly (NM_022068.4); short protein forms S1009G, S984G.
Identifiers: ClinVar variation 3369450 (VCV003369450.1).
Genomic context (GRCh38, chr18:10,763,020, plus strand): 5'-TTTGGAGCTGGTACAACATTTTGCAGACGATGATCACACACGTCCAGACTGTGCAGACAC[T>C]TGAAGCCAGACGGCGCAGCTTGGCGTACGGCAGAGCAAAAGCCCAAGAAATCAAAAATAC-3'
Protein context (NP_001365112.1, residues 999-1019): PYAKLRRLAS[Ser1009Gly]VCTVWTCVII

ClinVar aggregate classification (germline): Uncertain significance (1 of 4 stars; one submission).

Submission:

GeneDx
Classification: Uncertain significance. Last evaluated: 2024-02-27. Review status: criteria provided, single submitter. Criteria: GeneDx Variant Classification Process June 2021. Collection method: clinical testing. Allele origin: germline. Affected: yes.
Comment: Not observed at significant frequency in large population cohorts (gnomAD); In silico analysis supports that this missense variant does not alter protein structure/function; Has not been previously published as pathogenic or benign to our knowledge